The following is an entry in ClinVar:

GRCh38/hg38 4p16.3(chr4:958618-1026629)x3

Genes: DGKQ (diacylglycerol kinase theta; minus strand), FGFRL1 (fibroblast growth factor receptor like 1; plus strand), IDUA (alpha-L-iduronidase; plus strand), SLC26A1 (solute carrier family 26 member 1; minus strand), TMEM175 (transmembrane protein 175; plus strand) and 8 more. Cytogenetic location: 4p16.3.
Variant type: copy number gain.
Change: copy number 3 (three copies instead of two) of chr4:958,618-1,026,629 (68.0 kb, GRCh38 coordinates, 1-based), cytogenetic band 4p16.3.
Identifiers: ClinVar variation 145218 (VCV000145218.1).

ClinVar aggregate classification (germline): Benign/Likely benign (0 of 4 stars; one submission).

Submission:

GeneDx
Classification: Benign/Likely benign. Last evaluated: 2011-04-30. Review status: no assertion criteria provided. Collection method: clinical testing. Allele origin: not provided. Affected: yes. Observed: 21 variant alleles. Clinical features observed: Developmental delay AND/OR other significant developmental or morphological phenotypes.
Comment: Likely benign (4), Benign (17)